The following is an entry in ClinVar:

NM_000540.3(RYR1):c.3751C>A (p.His1251Asn)

Gene: RYR1 (ryanodine receptor 1; plus strand). Cytogenetic location: 19q13.2.
Variant type: single nucleotide variant.
Coding change: c.3751C>A on transcript NM_000540.3 (MANE Select); coding-DNA position 3751, C replaced by A.
Protein change: p.His1251Asn; replaces histidine 1251 with asparagine.
Molecular consequence: missense variant.
Genome position (GRCh38, 1-based): chr19:38,469,499, C>A. VCF-style: chr19-38469499-C-A. GRCh37 (hg19) VCF-style: chr19-38960139-C-A.
Other names: c.3751C>A, p.His1251Asn (NM_001042723.2); short protein forms H1251N.
Identifiers: ClinVar variation 423326 (VCV000423326.2), dbSNP rs943777976, ClinGen allele CA16620828.

ClinVar aggregate classification (germline): Uncertain significance (1 of 4 stars; one submission).

Allele frequency attached by ClinVar (database versions not stated): gnomAD exomes 0.00001.
gnomAD v4.1: 5 of 1,614,138 alleles (0.00031%); highest among the groups gnomAD compares: Non-Finnish European, 0.00042%; no homozygotes.

Submission:

GeneDx
Classification: Uncertain significance. Last evaluated: 2017-02-09. Review status: criteria provided, single submitter. Criteria: GeneDx Variant Classification (06012015). Collection method: clinical testing. Allele origin: germline. Affected: yes.
Comment: The H1251N variant in the RYR1 gene has not been reported previously as a pathogenic variant, nor as a benign variant, to our knowledge. The H1251N variant is not observed in large population cohorts (Lek et al., 2016; 1000 Genomes Consortium et al., 2015; Exome Variant Server). The H1251N variant is a semi-conservative amino acid substitution, which may impact secondary protein structure as these residues differ in some properties. This substitution occurs at a position that is conserved across species. In silico analysis predicts this variant is probably damaging to the protein structure/function. We interpret H1251N as a variant of uncertain significance.